The following is an entry in ClinVar:

Conditions:
Breast-ovarian cancer, familial, susceptibility to, 1 (BROVCA1). Also called: BRCA1 Hereditary Breast and Ovarian Cancer; OVARIAN CANCER, SUSCEPTIBILITY TO. Identifiers: Orphanet 145, MedGen C2676676, MONDO:0011450, OMIM 604370. Disease mechanism: loss of function.

Submission:

Brotman Baty Institute, University of Washington
No classification provided (evidence only). Condition: Breast-ovarian cancer, familial 1. Review status: no classification provided. Collection method: in vitro. Allele origin: not applicable. Functional consequence: functionally_normal.
ClinVar note: "not provided" was previously submitted as the classification for the variant. However, the classification appeared to be based only on an observation of functional data so it was converted to no classification on 2025-07-30.

NM_007294.4(BRCA1):c.5427T>G (p.Val1809=)

Gene: BRCA1 (BRCA1 DNA repair associated; minus strand). Cytogenetic location: 17q21.31.
Variant type: single nucleotide variant.
Coding change: c.5427T>G on transcript NM_007294.4 (MANE Select); coding-DNA position 5427, T replaced by G.
Protein change: p.Val1809=; no amino-acid change (valine 1809 retained).
Molecular consequence: synonymous variant. On other transcripts: missense variant (17).
Genome position (GRCh38, 1-based): chr17:43,047,683, A>C on the plus strand (T>G on the coding strand, the complement: BRCA1 is on the minus strand). VCF-style: chr17-43047683-A-C. GRCh37 (hg19) VCF-style: chr17-41199700-A-C.
Other names: c.5280T>G, p.Val1760= (NM_001407844.1, NM_001407845.1, NM_001407846.1 and 12 more transcripts); c.5353T>G, p.Cys1785Gly (NM_001407854.1); c.5350T>G, p.Cys1784Gly (NM_001407858.1, NM_001407859.1, NM_001407860.1); c.5217T>G, p.Val1739= (NM_001407884.1, NM_001407885.1, NM_001407886.1 and 5 more transcripts); c.5214T>G, p.Val1738= (NM_001407894.1, NM_001407895.1, NM_001407896.1 and 12 more transcripts); c.5211T>G, p.Val1737= (NM_001407915.1, NM_001407916.1, NM_001407917.1 and 1 more transcripts); c.5175T>G, p.Val1725= (NM_001407919.1); c.5163T>G, p.Val1721= (NM_001407920.1, NM_001407921.1, NM_001407922.1 and 4 more transcripts); and 83 more; short protein forms C681G, C1737G, C1744G, C1784G, C1738G, C1783G, C1743G, C1742G.
Identifiers: ClinVar variation 867384 (VCV000867384.3), dbSNP rs2050989260, ClinGen allele CA10590585.